The following is an entry in ClinVar:

ClinVar aggregate classification (germline): Benign. Review status: criteria provided, multiple submitters, no conflicts (2 of 4 stars). 3 submissions from 3 submitters: Benign (2). 1 of the submissions does not count toward it. Last evaluated 2026-02-01.

Conditions:
FCSK-related disorder. Also called: FCSK-related condition.

Allele frequency attached by ClinVar (database versions not stated): gnomAD exomes 0.00680 and 0.01757; ExAC 0.02146; gnomAD 0.07327 and 0.07824; ESP Exome Variant Server 0.07409; TOPMed 0.08106; 1000 Genomes Project 0.08407; 1000 Genomes Project 30x 0.08963.
gnomAD v4.1: 21,550 of 1,613,766 alleles (1.3%); highest among the groups gnomAD compares: African/African-American, 26%; 2,616 homozygotes.

Submissions (3):

Labcorp Genetics (formerly Invitae), Labcorp
Classification: Benign. Last evaluated: 2026-02-01. Review status: criteria provided, single submitter. Criteria: Invitae Variant Classification Sherloc (09022015). Collection method: clinical testing. Allele origin: germline.

Breakthrough Genomics
Classification: Benign. Review status: criteria provided, single submitter. Criteria: ACMG Guidelines, 2015. Collection method: not provided. Allele origin: germline. Inheritance: Autosomal recessive inheritance. Affected: yes.

PreventionGenetics, part of Exact Sciences
Classification: Benign for FCSK-related condition. Last evaluated: 2019-06-03. Review status: no assertion criteria provided. Collection method: clinical testing. Allele origin: germline. Not counted in ClinVar's aggregate classification.
Comment: This variant is classified as benign based on ACMG/AMP sequence variant interpretation guidelines (Richards et al. 2015 PMID: 25741868, with internal and published modifications).

NM_145059.3(FCSK):c.321T>C (p.Ala107=)

Gene: FCSK (fucose kinase; plus strand). Cytogenetic location: 16q22.1.
Variant type: single nucleotide variant.
Coding change: c.321T>C on transcript NM_145059.3 (MANE Select); coding-DNA position 321, T replaced by C.
Protein change: p.Ala107=; no amino-acid change (alanine 107 retained).
Molecular consequence: synonymous variant.
Genome position (GRCh38, 1-based): chr16:70,466,167, T>C. VCF-style: chr16-70466167-T-C. GRCh37 (hg19) VCF-style: chr16-70500070-T-C.
Other names: c.321T>C (NM_145059.2).
Identifiers: ClinVar variation 1682346 (VCV001682346.11), dbSNP rs17880268, ClinGen allele CA8142849.